The following is an entry in ClinVar:

NM_001458.5(FLNC):c.4312A>G (p.Lys1438Glu)

Gene: FLNC (filamin C; plus strand). Cytogenetic location: 7q32.1.
Variant type: single nucleotide variant.
Coding change: c.4312A>G on transcript NM_001458.5 (MANE Select); coding-DNA position 4312, A replaced by G.
Protein change: p.Lys1438Glu; replaces lysine 1438 with glutamic acid.
Molecular consequence: missense variant.
Genome position (GRCh38, 1-based): chr7:128,847,720, A>G. VCF-style: chr7-128847720-A-G. GRCh37 (hg19) VCF-style: chr7-128487774-A-G.
Other names: c.4312A>G, p.Lys1438Glu (NM_001127487.2); short protein forms K1438E.
Identifiers: ClinVar variation 3763631 (VCV003763631.2).
Genomic context (GRCh38, chr7:128,847,720, plus strand): 5'-GGCTGGTGGGCAGGGTCTAATGTCCTTCTCCTCACAGGGAGCCCGTTCCGCGTGCCAGTG[A>G]AGGATGTGGTGGACCCTGGGAAGGTGAAGTGCTCAGGGCCAGGGCTGGGGGCTGGTGTCA-3'
Protein context (NP_001449.3, residues 1428-1448): IPGSPFRVPV[Lys1438Glu]DVVDPGKVKC

ClinVar aggregate classification (germline): Uncertain significance (1 of 4 stars; one submission).

Conditions:
Hypertrophic cardiomyopathy 26. Also called: Cardiomyopathy, familial hypertrophic, 26. Identifiers: Orphanet 75249, MedGen C4310749, MONDO:0014883, OMIM 617047.
Myofibrillar myopathy 5. Also called: Filaminopathy (type); FILAMINOPATHY, AUTOSOMAL DOMINANT. Identifiers: Orphanet 171445, MedGen C1836050, MONDO:0012289, OMIM 609524.
Distal myopathy with posterior leg and anterior hand involvement. Also called: WILLIAMS DISTAL MYOPATHY. Identifiers: Orphanet 63273, MedGen C3279722, MONDO:0013550, OMIM 614065.

gnomAD v4.1: 1 of 1,614,088 alleles (0.000062%); highest among the groups gnomAD compares: Non-Finnish European, 0.000085%; no homozygotes.

Submission:

Labcorp Genetics (formerly Invitae), Labcorp
Classification: Uncertain significance for Distal myopathy with posterior leg and anterior hand involvement; Myofibrillar myopathy 5; Hypertrophic cardiomyopathy 26. Last evaluated: 2024-08-06. Review status: criteria provided, single submitter. Criteria: Invitae Variant Classification Sherloc (09022015). Collection method: clinical testing. Allele origin: germline.
Comment: This sequence change replaces lysine, which is basic and polar, with glutamic acid, which is acidic and polar, at codon 1438 of the FLNC protein (p.Lys1438Glu). This variant is not present in population databases (gnomAD no frequency). This missense change has been observed in individual(s) with clinical features of FLNC-related conditions (Invitae). Advanced modeling of protein sequence and biophysical properties (such as structural, functional, and spatial information, amino acid conservation, physicochemical variation, residue mobility, and thermodynamic stability) has been performed at Invitae for this missense variant, however the output from this modeling did not meet the statistical confidence thresholds required to predict the impact of this variant on FLNC protein function. In summary, the available evidence is currently insufficient to determine the role of this variant in disease. Therefore, it has been classified as a Variant of Uncertain Significance.